The following is an entry in ClinVar:

ClinVar aggregate classification (germline): Uncertain significance (1 of 4 stars; one submission).

Conditions:
Familial thoracic aortic aneurysm and aortic dissection (TAAD). Also called: Thoracic aortic aneurysms and dissections. Identifiers: Orphanet 91387, MedGen C4707243, MONDO:0019625.

Allele frequency attached by ClinVar (database versions not stated): gnomAD exomes below 0.00001.
gnomAD v4.1: 1 of 1,614,222 alleles (0.000062%); highest among the groups gnomAD compares: Non-Finnish European, 0.000085%; no homozygotes.

Submission:

Color Diagnostics, LLC DBA Color Health
Classification: Uncertain significance for Familial thoracic aortic aneurysm and aortic dissection. Last evaluated: 2024-03-06. Review status: criteria provided, single submitter. Criteria: ACMG Guidelines, 2015. Collection method: clinical testing. Allele origin: germline.
Comment: This missense variant replaces glutamine with proline at codon 2641 of the FBN1 protein. Computational prediction suggests that this variant may have deleterious impact on protein structure and function (internally defined REVEL score threshold >= 0.7, PMID: 27666373). To our knowledge, functional studies have not been reported for this variant. This variant has not been reported in individuals affected with cardiovascular disorders in the literature. This variant has not been identified in the general population by the Genome Aggregation Database (gnomAD). The available evidence is insufficient to determine the role of this variant in disease conclusively. Therefore, this variant is classified as a Variant of Uncertain Significance.

NM_000138.5(FBN1):c.7922A>C (p.Gln2641Pro)

Gene: FBN1 (fibrillin 1; minus strand). Cytogenetic location: 15q21.1.
Variant type: single nucleotide variant.
Coding change: c.7922A>C on transcript NM_000138.5 (MANE Select); coding-DNA position 7922, A replaced by C.
Protein change: p.Gln2641Pro; replaces glutamine 2641 with proline.
Molecular consequence: missense variant.
Genome position (GRCh38, 1-based): chr15:48,415,665, T>G on the plus strand (A>C on the coding strand, the complement: FBN1 is on the minus strand). VCF-style: chr15-48415665-T-G. GRCh37 (hg19) VCF-style: chr15-48707862-T-G.
Other names: short protein forms Q2641P.
Identifiers: ClinVar variation 1332019 (VCV001332019.3), dbSNP rs2141214864, ClinGen allele CA392323100.
Genomic context (GRCh38, chr15:48,415,665, plus strand): 5'-TAGCTGCAGGGGGCCTGCGCAGAGCCACATTCATTGATGTCTTGGCATCCTCCACTGAAC[T>G]GTTCATACTGGAAGCCGGCGGGACACATGCACTTGTAGCTCCCCAGGGTGTTGTGACAGG-3'
Protein context (NP_000129.3, residues 2631-2651): CMCPAGFQYE[Gln2641Pro]FSGGCQDINE